The following is an entry in ClinVar:

NM_001111.5(ADAR):c.130A>G (p.Ile44Val)

Gene: ADAR (adenosine deaminase RNA specific; minus strand). Cytogenetic location: 1q21.3.
Variant type: single nucleotide variant.
Coding change: c.130A>G on transcript NM_001111.5 (MANE Select); coding-DNA position 130, A replaced by G.
Protein change: p.Ile44Val; replaces isoleucine 44 with valine.
Molecular consequence: missense variant. On other transcripts: 5 prime UTR variant (6).
Genome position (GRCh38, 1-based): chr1:154,602,512, T>C on the plus strand (A>G on the coding strand, the complement: ADAR is on the minus strand). VCF-style: chr1-154602512-T-C. GRCh37 (hg19) VCF-style: chr1-154574988-T-C.
Other names: c.-756A>G (NM_001025107.3, NM_001193495.2, NM_001365048.1); c.157A>G, p.Ile53Val (NM_001365045.1); c.-620A>G (NM_001365046.1, NM_001365047.1, NM_001365049.1); c.130A>G, p.Ile44Val (NM_015840.4, NM_015841.4); short protein forms I44V, I53V.
Identifiers: ClinVar variation 2059551 (VCV002059551.4), dbSNP rs776621680, ClinGen allele CA1131757.

ClinVar aggregate classification (germline): Uncertain significance (1 of 4 stars; one submission).

Conditions:
Aicardi-Goutieres syndrome 6 (AGS6). Identifiers: Orphanet 51, MedGen C3539013, MONDO:0014007, OMIM 615010.
Symmetrical dyschromatosis of extremities (DSH). Also called: DYSCHROMATOSIS SYMMETRICA HEREDITARIA 1; RETICULATE ACROPIGMENTATION OF DOHI; SYMMETRIC DYSCHROMATOSIS OF THE EXTREMITIES; Dyschromatosis symmetrica hereditaria. Identifiers: Orphanet 41, MedGen C0406775, MONDO:0007483, OMIM 127400.

Allele frequency attached by ClinVar (database versions not stated): TOPMed 0.00004; gnomAD 0.00004; ExAC 0.00001; gnomAD exomes 0.00001.
gnomAD v4.1: 15 of 1,614,078 alleles (0.00093%); highest among the groups gnomAD compares: African/African-American, 0.019%; no homozygotes.

Submission:

Labcorp Genetics (formerly Invitae), Labcorp
Classification: Uncertain significance for Aicardi-Goutieres syndrome 6; Symmetrical dyschromatosis of extremities. Last evaluated: 2025-07-23. Review status: criteria provided, single submitter. Criteria: Invitae Variant Classification Sherloc (09022015). Collection method: clinical testing. Allele origin: germline.
Comment: This sequence change replaces isoleucine, which is neutral and non-polar, with valine, which is neutral and non-polar, at codon 44 of the ADAR protein (p.Ile44Val). This variant is present in population databases (rs776621680, gnomAD 0.03%). This variant has not been reported in the literature in individuals affected with ADAR-related conditions. ClinVar contains an entry for this variant (Variation ID: 2059551). An algorithm developed to predict the effect of missense changes on protein structure and function outputs the following: PolyPhen-2: "Benign". The valine amino acid residue is found in multiple mammalian species, which suggests that this missense change does not adversely affect protein function. In summary, the available evidence is currently insufficient to determine the role of this variant in disease. Therefore, it has been classified as a Variant of Uncertain Significance.